The following is an entry in ClinVar:

NM_000059.4(BRCA2):c.9027T>G (p.Tyr3009Ter)

Gene: BRCA2 (BRCA2 DNA repair associated; plus strand). Cytogenetic location: 13q13.1.
Variant type: single nucleotide variant.
Coding change: c.9027T>G on transcript NM_000059.4 (MANE Select); coding-DNA position 9027, T replaced by G.
Protein change: p.Tyr3009Ter; replaces tyrosine 3009 with a stop codon.
Molecular consequence: nonsense.
Genome position (GRCh38, 1-based): chr13:32,379,823, T>G. VCF-style: chr13-32379823-T-G. GRCh37 (hg19) VCF-style: chr13-32953960-T-G.
Other names: short protein forms Y3009*.
Identifiers: ClinVar variation 220532 (VCV000220532.14), dbSNP rs864622568, ClinGen allele CA349539.

ClinVar aggregate classification (germline): Pathogenic. Review status: reviewed by expert panel (3 of 4 stars). 3 submissions from 3 submitters: Pathogenic (1). 2 of the submissions do not count toward it. Last evaluated 2016-09-08.

Conditions:
Hereditary cancer-predisposing syndrome. Also called: Tumor predisposition; Hereditary neoplastic syndrome; Neoplastic Syndromes, Hereditary; Hereditary Cancer Syndrome. Identifiers: Orphanet 140162, MedGen C0027672, MeSH D009386, MONDO:0015356.
Hereditary breast ovarian cancer syndrome. Also called: Hereditary breast and ovarian cancer; BRCA1- and BRCA2-Associated Hereditary Breast and Ovarian Cancer; Hereditary breast and/or ovarian cancer syndrome; Hereditary breast and ovarian cancer syndrome; Hereditary breast and ovarian cancer syndrome (HBOC); Breast and ovarian cancer. Identifiers: Orphanet 145, MedGen C0677776, MeSH D061325, MONDO:0003582. Disease mechanism: loss of function.
Breast-ovarian cancer, familial, susceptibility to, 2 (BROVCA2). Also called: BRCA2 Hereditary Breast and Ovarian Cancer. Identifiers: Orphanet 145, MedGen C2675520, MONDO:0012933, OMIM 612555. Disease mechanism: loss of function.

Allele frequency attached by ClinVar (database versions not stated): gnomAD exomes below 0.00001.
gnomAD v4.1: 1 of 1,612,930 alleles (0.000062%); no homozygotes.

Submissions (3):

Evidence-based Network for the Interpretation of Germline Mutant Alleles (ENIGMA)
Classification: Pathogenic for Breast-ovarian cancer, familial, susceptibility to, 2. Last evaluated: 2016-09-08. Review status: reviewed by expert panel. Criteria: ENIGMA BRCA1/2 Classification Criteria (2015). Collection method: curation. Allele origin: germline.
Comment: Variant allele predicted to encode a truncated non-functional protein.

Labcorp Genetics (formerly Invitae), Labcorp
Classification: Pathogenic for Hereditary breast ovarian cancer syndrome. Last evaluated: 2026-01-16. Review status: criteria provided, single submitter. Criteria: Invitae Variant Classification Sherloc (09022015). Collection method: clinical testing. Allele origin: germline. Not counted in ClinVar's aggregate classification.
Comment: This sequence change creates a premature translational stop signal (p.Tyr3009*) in the BRCA2 gene. It is expected to result in an absent or disrupted protein product. Loss-of-function variants in BRCA2 are known to be pathogenic (PMID: 20104584). This variant is present in population databases (no rsID available, gnomAD no frequency). This variant has not been reported in the literature in individuals affected with BRCA2-related conditions. ClinVar contains an entry for this variant (Variation ID: 220532). Algorithms developed to predict the effect of sequence changes on RNA splicing suggest that this variant may disrupt the consensus splice site. For these reasons, this variant has been classified as Pathogenic.

Ambry Genetics
Classification: Pathogenic for Hereditary cancer-predisposing syndrome. Last evaluated: 2023-09-25. Review status: criteria provided, single submitter. Criteria: Ambry Variant Classification Scheme 2023. Collection method: clinical testing. Allele origin: germline. Not counted in ClinVar's aggregate classification.
Comment: The p.Y3009* pathogenic mutation (also known as c.9027T>G), located in coding exon 22 of the BRCA2 gene, results from a T to G substitution at nucleotide position 9027. This changes the amino acid from a tyrosine to a stop codon within coding exon 22. In addition to the clinical data presented in the literature, this alteration is expected to result in loss of function by premature protein truncation or nonsense-mediated mRNA decay. As such, this alteration is interpreted as a disease-causing mutation.

Literature cited by the submitters: PubMed 20104584 (cited by Labcorp Genetics (formerly Invitae), Labcorp); PubMed 30093976 (cited by Ambry Genetics).